The following is an entry in ClinVar:

ClinVar aggregate classification (germline): Conflicting classifications of pathogenicity. Review status: criteria provided, conflicting classifications (1 of 4 stars). 3 submissions from 3 submitters: Uncertain significance (1); Likely benign (1). 1 of the submissions does not count toward it. Last evaluated 2025-07-31.

Conditions:
PLEC-related disorder. Also called: PLEC-related condition; PLEC-related disorders.
Epidermolysis bullosa simplex 5B, with muscular dystrophy (EBS5B). Also called: EPIDERMOLYSIS BULLOSA SIMPLEX AND LIMB-GIRDLE MUSCULAR DYSTROPHY; Epidermolysis bullosa simplex with muscular dystrophy. Identifiers: Orphanet 257, MedGen C2931072, MONDO:0009181, OMIM 226670.
Epidermolysis bullosa simplex with nail dystrophy (EBS5D). Identifiers: MedGen C4225309, MONDO:0014661, OMIM 616487.
Autosomal recessive limb-girdle muscular dystrophy type 2Q (LGMDR17). Also called: MUSCULAR DYSTROPHY, LIMB-GIRDLE, AUTOSOMAL RECESSIVE 17. Identifiers: Orphanet 254361, MedGen C3150989, MONDO:0013390, OMIM 613723.
Epidermolysis bullosa simplex 5C, with pyloric atresia (EBS5C). Also called: PLEC1-Related Epidermolysis Bullosa with Pyloric Atresia; PLEC-Related Epidermolysis Bullosa with Pyloric Atresia; Epidermolysis bullosa simplex with pyloric atresia. Identifiers: Orphanet 158684, MedGen C2677349, MONDO:0012807, OMIM 612138.
Epidermolysis bullosa simplex, Ogna type (EBS5A). Also called: Pidermolysis bullosa simplex 5A, Ogna type; EPIDERMOLYSIS BULLOSA SIMPLEX 5A, OGNA TYPE. Identifiers: Orphanet 79401, MedGen C0432317, MONDO:0007555, OMIM 131950.

Allele frequency attached by ClinVar (database versions not stated): ExAC 0.00007; gnomAD exomes 0.00007 and 0.00010; ESP Exome Variant Server 0.00008; gnomAD 0.00008 and 0.00009; TOPMed 0.00008.
gnomAD v4.1: 154 of 1,610,654 alleles (0.0096%); highest among the groups gnomAD compares: Non-Finnish European, 0.012%; no homozygotes.

Submissions (3):

Labcorp Genetics (formerly Invitae), Labcorp
Classification: Likely benign for Autosomal recessive limb-girdle muscular dystrophy type 2Q; Epidermolysis bullosa simplex, Ogna type; Epidermolysis bullosa simplex with nail dystrophy; Epidermolysis bullosa simplex 5C, with pyloric atresia; Epidermolysis bullosa simplex 5B, with muscular dystrophy. Last evaluated: 2025-07-31. Review status: criteria provided, single submitter. Criteria: Invitae Variant Classification Sherloc (09022015). Collection method: clinical testing. Allele origin: germline.

Eurofins Ntd Llc (ga)
Classification: Uncertain significance. Last evaluated: 2015-07-22. Review status: criteria provided, single submitter. Criteria: EGL Classification Definitions 2015. Collection method: clinical testing. Allele origin: germline. Observed: 1 variant allele, 1 heterozygote.

PreventionGenetics, part of Exact Sciences
Classification: Likely benign for PLEC-related condition. Last evaluated: 2019-10-14. Review status: no assertion criteria provided. Collection method: clinical testing. Allele origin: germline. Not counted in ClinVar's aggregate classification.
Comment: This variant is classified as likely benign based on ACMG/AMP sequence variant interpretation guidelines (Richards et al. 2015 PMID: 25741868, with internal and published modifications).

NM_201384.3(PLEC):c.12783C>T (p.Ala4261=)

Gene: PLEC (plectin; minus strand). Cytogenetic location: 8q24.3.
Variant type: single nucleotide variant.
Coding change: c.12783C>T on transcript NM_201384.3 (MANE Select); coding-DNA position 12783, C replaced by T.
Protein change: p.Ala4261=; no amino-acid change (alanine 4261 retained).
Molecular consequence: synonymous variant.
Genome position (GRCh38, 1-based): chr8:143,917,038, G>A on the plus strand (C>T on the coding strand, the complement: PLEC is on the minus strand). VCF-style: chr8-143917038-G-A. GRCh37 (hg19) VCF-style: chr8-144991206-G-A.
Other names: c.12864C>T, p.Ala4288= (NM_000445.5); c.12741C>T, p.Ala4247= (NM_201378.4); c.12717C>T, p.Ala4239= (NM_201379.3); c.13194C>T, p.Ala4398= (NM_201380.4); c.12687C>T, p.Ala4229= (NM_201381.3); c.12783C>T, p.Ala4261= (NM_201382.4); c.12795C>T, p.Ala4265= (NM_201383.3).
Identifiers: ClinVar variation 282120 (VCV000282120.17), dbSNP rs377524932, ClinGen allele CA4923980.
Genomic context (GRCh38, chr8:143,917,038, plus strand): 5'-AGCCACGGGGCCCGTCTCCTCAGTGGGGTCTGACCAGGAGGCCAGCTGGGTCCTGGAGAC[G>A]GCGGGGCTGATGGGGTAGGAGGAGGAGGATCCCACCGAGGAGGAACGGGAGCGGAAACCA-3'
Protein context (NP_958786.1, residues 4251-4271): GSSSSYPISP[Ala4261=]VSRTQLASWS